The following is an entry in ClinVar:

NM_001184.4(ATR):c.6100G>C (p.Glu2034Gln)

Genes: ATR (ATR checkpoint kinase; minus strand), LOC126806830 (BRD4-independent group 4 enhancer GRCh37_chr3:142203676-142204875; plus strand). Cytogenetic location: 3q23.
Variant type: single nucleotide variant.
Coding change: c.6100G>C on transcript NM_001184.4 (MANE Select); coding-DNA position 6100, G replaced by C.
Protein change: p.Glu2034Gln; replaces glutamic acid 2034 with glutamine.
Molecular consequence: missense variant.
Genome position (GRCh38, 1-based): chr3:142,485,261, C>G on the plus strand (G>C on the coding strand, the complement: ATR is on the minus strand). VCF-style: chr3-142485261-C-G. GRCh37 (hg19) VCF-style: chr3-142204103-C-G.
Other names: c.5908G>C, p.Glu1970Gln (NM_001354579.2); short protein forms E1970Q, E2034Q.
Identifiers: ClinVar variation 1751631 (VCV001751631.2), dbSNP rs774824076, ClinGen allele CA354809795.

ClinVar aggregate classification (germline): Uncertain significance (1 of 4 stars; one submission).

Conditions:
Inborn genetic diseases. Identifiers: MedGen C0950123, MeSH D030342.

gnomAD v4.1: 2 of 1,614,192 alleles (0.00012%); highest among the groups gnomAD compares: Non-Finnish European, 0.00017%; no homozygotes.

Submission:

Ambry Genetics
Classification: Uncertain significance for Inborn genetic diseases. Last evaluated: 2022-07-30. Review status: criteria provided, single submitter. Criteria: Ambry Variant Classification Scheme 2023. Collection method: clinical testing. Allele origin: germline.
Comment: The p.E2034Q variant (also known as c.6100G>C), located in coding exon 36 of the ATR gene, results from a G to C substitution at nucleotide position 6100. The glutamic acid at codon 2034 is replaced by glutamine, an amino acid with highly similar properties. This amino acid position is conserved. In addition, this alteration is predicted to be tolerated by in silico analysis. Since supporting evidence is limited at this time, the clinical significance of this alteration remains unclear.